The following is an entry in ClinVar:

NM_032607.3(CREB3L3):c.1075T>C (p.Phe359Leu)

Gene: CREB3L3 (cAMP responsive element binding protein 3 like 3; plus strand). Cytogenetic location: 19p13.3.
Variant type: single nucleotide variant.
Coding change: c.1075T>C on transcript NM_032607.3 (MANE Select); coding-DNA position 1075, T replaced by C.
Protein change: p.Phe359Leu; replaces phenylalanine 359 with leucine.
Molecular consequence: missense variant.
Genome position (GRCh38, 1-based): chr19:4,171,658, T>C. VCF-style: chr19-4171658-T-C. GRCh37 (hg19) VCF-style: chr19-4171655-T-C.
Other names: c.1072T>C, p.Phe358Leu (NM_001271995.2); c.1069T>C, p.Phe357Leu (NM_001271996.2); c.968T>C, p.Val323Ala (NM_001271997.2); short protein forms F357L, F358L, F359L, V323A.
Identifiers: ClinVar variation 3609805 (VCV003609805.2).

ClinVar aggregate classification (germline): Uncertain significance (1 of 4 stars; one submission).

Submission:

Labcorp Genetics (formerly Invitae), Labcorp
Classification: Uncertain significance. Last evaluated: 2024-02-29. Review status: criteria provided, single submitter. Criteria: Invitae Variant Classification Sherloc (09022015). Collection method: clinical testing. Allele origin: germline.
Comment: This sequence change replaces phenylalanine, which is neutral and non-polar, with leucine, which is neutral and non-polar, at codon 359 of the CREB3L3 protein (p.Phe359Leu). This variant is present in population databases (no rsID available, gnomAD 0.007%). This variant has not been reported in the literature in individuals affected with CREB3L3-related conditions. Advanced modeling of protein sequence and biophysical properties (such as structural, functional, and spatial information, amino acid conservation, physicochemical variation, residue mobility, and thermodynamic stability) performed at Invitae indicates that this missense variant is not expected to disrupt CREB3L3 protein function with a negative predictive value of 80%. In summary, the available evidence is currently insufficient to determine the role of this variant in disease. Therefore, it has been classified as a Variant of Uncertain Significance.